The following is an entry in ClinVar:

NM_005356.5(LCK):c.601G>A (p.Gly201Ser)

Gene: LCK (LCK proto-oncogene, Src family tyrosine kinase; plus strand). Cytogenetic location: 1p35.2.
Variant type: single nucleotide variant.
Coding change: c.601G>A on transcript NM_005356.5 (MANE Select); coding-DNA position 601, G replaced by A.
Protein change: p.Gly201Ser; replaces glycine 201 with serine.
Molecular consequence: missense variant.
Genome position (GRCh38, 1-based): chr1:32,276,033, G>A. VCF-style: chr1-32276033-G-A. GRCh37 (hg19) VCF-style: chr1-32741634-G-A.
Other names: c.601G>A, p.Gly201Ser (NM_001042771.3, NM_001330468.2); short protein forms G201S.
Identifiers: ClinVar variation 569666 (VCV000569666.19), dbSNP rs11567841, ClinGen allele CA741140.

ClinVar aggregate classification (germline): Conflicting classifications of pathogenicity. Review status: criteria provided, conflicting classifications (1 of 4 stars). 5 submissions from 5 submitters: Uncertain significance (1); Likely benign (1). 3 of the submissions do not count toward it. Last evaluated 2026-02-04.

Conditions:
LCK-related disorder. Also called: LCK-related condition.
Severe combined immunodeficiency due to LCK deficiency. Also called: Immunodeficiency 22. Identifiers: Orphanet 280142, MedGen C4014233, MONDO:0014334, OMIM 615758.

Allele frequency attached by ClinVar (database versions not stated): 1000 Genomes Project 0.00040; 1000 Genomes Project 30x 0.00047; TOPMed 0.00100; ExAC 0.00101; gnomAD exomes 0.00109; gnomAD 0.00113 and 0.00121; ESP Exome Variant Server 0.00185.
gnomAD v4.1: 2,866 of 1,613,996 alleles (0.18%); highest among the groups gnomAD compares: Non-Finnish European, 0.23%; 3 homozygotes.

Submissions (9):

Labcorp Genetics (formerly Invitae), Labcorp
Classification: Likely benign for Severe combined immunodeficiency due to LCK deficiency. Last evaluated: 2026-02-04. Review status: criteria provided, single submitter. Criteria: Invitae Variant Classification Sherloc (09022015). Collection method: clinical testing. Allele origin: germline.

Center for Genomics, Ann and Robert H. Lurie Children's Hospital of Chicago
Classification: Uncertain significance for Severe combined immunodeficiency due to LCK deficiency. Last evaluated: 2021-03-30. Review status: criteria provided, single submitter. Criteria: ACMG Guidelines, 2015. Collection method: clinical testing. Allele origin: germline.
Comment: LCK NM_001042771.2 exon 7 p.Gly201Ser (c.601G>A): This variant has not been reported in the literature but is present in 0.2% (273/129110) of European alleles, including 1 homozygote in the Genome Aggregation Database. This variant is present in ClinVar (Variation ID:569666). This variant amino acid Serine (Ser) is present in >25 species and is not well conserved among evolutionarily distant species; this suggests that this variant may not impact the protein. Additional computational prediction tools do not suggest an impact. Of note, although this variant occurs in the exon, splice prediction tools suggest that this variant may affect splicing. However, further studies are needed to understand its impact. In summary, data on this variant is insufficient for disease classification. Therefore, the clinical significance of this variant is uncertain.

PreventionGenetics, part of Exact Sciences
Classification: Likely benign for LCK-related condition. Last evaluated: 2022-02-20. Review status: no assertion criteria provided. Collection method: clinical testing. Allele origin: germline. Not counted in ClinVar's aggregate classification.
Comment: This variant is classified as likely benign based on ACMG/AMP sequence variant interpretation guidelines (Richards et al. 2015 PMID: 25741868, with internal and published modifications).

Clinical Genetics DNA and cytogenetics Diagnostics Lab, Erasmus MC, Erasmus Medical Center
Classification: Likely benign. Review status: no assertion criteria provided. Collection method: clinical testing. Allele origin: germline. Affected: yes. Study: VKGL Data-share Consensus. Not counted in ClinVar's aggregate classification.

Dr. Peter K. Rogan Lab, Western University
No classification provided (evidence only). Condition: Lung cancer. Review status: no classification provided. Collection method: in vitro. Allele origin: not applicable. Functional consequence: retained intron. Not counted in ClinVar's aggregate classification.

Dr. Peter K. Rogan Lab, Western University
No classification provided (evidence only). Condition: Melanoma. Review status: no classification provided. Collection method: in vitro. Allele origin: not applicable. Functional consequence: retained intron. Not counted in ClinVar's aggregate classification.

Dr. Peter K. Rogan Lab, Western University
No classification provided (evidence only). Condition: Acute myeloid leukemia. Review status: no classification provided. Collection method: in vitro. Allele origin: not applicable. Functional consequence: retained intron. Not counted in ClinVar's aggregate classification.

Dr. Peter K. Rogan Lab, Western University
No classification provided (evidence only). Condition: Malignant tumor of esophagus. Review status: no classification provided. Collection method: in vitro. Allele origin: not applicable. Functional consequence: retained intron. Not counted in ClinVar's aggregate classification.

Genome Diagnostics Laboratory, University Medical Center Utrecht
Classification: Likely benign. Review status: no assertion criteria provided. Collection method: clinical testing. Allele origin: germline. Affected: yes. Study: VKGL Data-share Consensus. Not counted in ClinVar's aggregate classification.